The following is an entry in ClinVar:

NM_177438.3(DICER1):c.3308A>T (p.Asp1103Val)

Gene: DICER1 (dicer 1, ribonuclease III; minus strand). Cytogenetic location: 14q32.13.
Variant type: single nucleotide variant.
Coding change: c.3308A>T on transcript NM_177438.3 (MANE Select); coding-DNA position 3308, A replaced by T.
Protein change: p.Asp1103Val; replaces aspartic acid 1103 with valine.
Molecular consequence: missense variant.
Genome position (GRCh38, 1-based): chr14:95,104,088, T>A on the plus strand (A>T on the coding strand, the complement: DICER1 is on the minus strand). VCF-style: chr14-95104088-T-A. GRCh37 (hg19) VCF-style: chr14-95570425-T-A.
Other names: c.3308A>T, p.Asp1103Val (NM_001195573.1, NM_001271282.3, NM_001291628.2 and 1 more transcripts); short protein forms D1103V.
Identifiers: ClinVar variation 574551 (VCV000574551.10), dbSNP rs1566769521, ClinGen allele CA390875971.

ClinVar aggregate classification (germline): Uncertain significance (1 of 4 stars; one submission).

Conditions:
DICER1-related tumor predisposition. Also called: DICER1 syndrome; DICER1-related pleuropulmonary blastoma cancer predisposition syndrome. Identifiers: Orphanet 284343, MedGen C3839822, MONDO:0100216.

Submission:

Labcorp Genetics (formerly Invitae), Labcorp
Classification: Uncertain significance for DICER1-related tumor predisposition. Last evaluated: 2018-06-29. Review status: criteria provided, single submitter. Criteria: Invitae Variant Classification Sherloc (09022015). Collection method: clinical testing. Allele origin: germline.
Comment: This sequence change replaces aspartic acid with valine at codon 1103 of the DICER1 protein (p.Asp1103Val). The aspartic acid residue is highly conserved and there is a large physicochemical difference between aspartic acid and valine. In summary, the available evidence is currently insufficient to determine the role of this variant in disease. Therefore, it has been classified as a Variant of Uncertain Significance. Algorithms developed to predict the effect of missense changes on protein structure and function are either unavailable or do not agree on the potential impact of this missense change (SIFT: "Tolerated"; PolyPhen-2: "Probably Damaging"; Align-GVGD: "Class C0"). This variant has not been reported in the literature in individuals with DICER1-related disease. This variant is not present in population databases (ExAC no frequency).